The following is an entry in ClinVar:

ClinVar aggregate classification (germline): Conflicting classifications of pathogenicity. Review status: criteria provided, conflicting classifications (1 of 4 stars). 3 submissions from 3 submitters: Uncertain significance (2); Benign (1). Last evaluated 2024-11-21.

Conditions:
Primary ciliary dyskinesia. Also called: Ciliary dyskinesia. Identifiers: Orphanet 244, MedGen C0008780, MONDO:0016575, HP:0012265.

Allele frequency attached by ClinVar (database versions not stated): ExAC below 0.00001; TOPMed 0.00003; gnomAD 0.00004.
gnomAD v4.1: 56 of 1,584,036 alleles (0.0035%); highest among the groups gnomAD compares: Non-Finnish European, 0.0043%; no homozygotes.

Submissions (3):

Labcorp Genetics (formerly Invitae), Labcorp
Classification: Benign for Primary ciliary dyskinesia. Last evaluated: 2024-11-21. Review status: criteria provided, single submitter. Criteria: Invitae Variant Classification Sherloc (09022015). Collection method: clinical testing. Allele origin: germline.

Ambry Genetics
Classification: Uncertain significance for Primary ciliary dyskinesia. Last evaluated: 2023-12-04. Review status: criteria provided, single submitter. Criteria: Ambry Variant Classification Scheme 2023. Collection method: clinical testing. Allele origin: germline.
Comment: The p.R3098C variant (also known as c.9292C>T), located in coding exon 56 of the DNAH11 gene, results from a C to T substitution at nucleotide position 9292. The arginine at codon 3098 is replaced by cysteine, an amino acid with highly dissimilar properties. This variant was not reported in population based cohorts in the following databases: Database of Single Nucleotide Polymorphisms (dbSNP), NHLBI Exome Sequencing Project (ESP), and 1000 Genomes Project. In the ESP, this variant was not observed in 5907 samples (11814 alleles) with coverage at this position. This amino acid position is poorly conserved in available vertebrate species. Since supporting evidence is limited at this time, the clinical significance of this variant remains unclear.

Blueprint Genetics
Classification: Uncertain significance. Last evaluated: 2023-03-15. Review status: criteria provided, single submitter. Criteria: ACMG Guidelines, 2015. Collection method: clinical testing. Allele origin: germline.

NM_001277115.2(DNAH11):c.9292C>T (p.Arg3098Cys)

Gene: DNAH11 (dynein axonemal heavy chain 11; plus strand). Cytogenetic location: 7p15.3.
Variant type: single nucleotide variant.
Coding change: c.9292C>T on transcript NM_001277115.2 (MANE Select); coding-DNA position 9292, C replaced by T.
Protein change: p.Arg3098Cys; replaces arginine 3098 with cysteine.
Molecular consequence: missense variant.
Genome position (GRCh38, 1-based): chr7:21,773,955, C>T. VCF-style: chr7-21773955-C-T. GRCh37 (hg19) VCF-style: chr7-21813573-C-T.
Other names: short protein forms R3098C.
Identifiers: ClinVar variation 359666 (VCV000359666.13), dbSNP rs769695221, ClinGen allele CA4181913.